The following is an entry in ClinVar:

ClinVar aggregate classification (germline): Conflicting classifications of pathogenicity. Review status: criteria provided, conflicting classifications (1 of 4 stars). 2 submissions from 2 submitters: Uncertain significance (1); Likely benign (1). Last evaluated 2025-09-19.

Conditions:
Ehlers-Danlos syndrome, classic type, 1 (EDSCL1). Also called: EHLERS-DANLOS SYNDROME, GRAVIS TYPE; EHLERS-DANLOS SYNDROME, SEVERE CLASSIC TYPE; EDS I; Ehlers-Danlos Syndrome, Classic Type, COL5A1-Related; Ehlers-Danlos syndrome, type 1. Identifiers: MedGen C0268335, MONDO:0019567, OMIM 130000.
Familial thoracic aortic aneurysm and aortic dissection (TAAD). Also called: Thoracic aortic aneurysms and dissections. Identifiers: Orphanet 91387, MedGen C4707243, MONDO:0019625.

Allele frequency attached by ClinVar (database versions not stated): TOPMed below 0.00001; gnomAD 0.00001; gnomAD exomes 0.00001.
gnomAD v4.1: 18 of 1,613,842 alleles (0.0011%); highest among the groups gnomAD compares: East Asian, 0.0067%; no homozygotes.

Submissions (2):

Labcorp Genetics (formerly Invitae), Labcorp
Classification: Likely benign for Ehlers-Danlos syndrome, classic type, 1. Last evaluated: 2025-09-19. Review status: criteria provided, single submitter. Criteria: Invitae Variant Classification Sherloc (09022015). Collection method: clinical testing. Allele origin: germline.

Ambry Genetics
Classification: Uncertain significance for Familial thoracic aortic aneurysm and aortic dissection. Last evaluated: 2019-03-28. Review status: criteria provided, single submitter. Criteria: Ambry Variant Classification Scheme 2023. Collection method: clinical testing. Allele origin: germline.
Comment: The p.R1471C variant (also known as c.4411C>T), located in coding exon 54 of the COL5A2 gene, results from a C to T substitution at nucleotide position 4411. The arginine at codon 1471 is replaced by cysteine, an amino acid with highly dissimilar properties. This amino acid position is highly conserved in available vertebrate species. In addition, this alteration is predicted to be deleterious by in silico analysis. Since supporting evidence is limited at this time, the clinical significance of this alteration remains unclear.

NM_000393.5(COL5A2):c.4411C>T (p.Arg1471Cys)

Gene: COL5A2 (collagen type V alpha 2 chain; minus strand). Cytogenetic location: 2q32.2.
Variant type: single nucleotide variant.
Coding change: c.4411C>T on transcript NM_000393.5 (MANE Select); coding-DNA position 4411, C replaced by T.
Protein change: p.Arg1471Cys; replaces arginine 1471 with cysteine.
Molecular consequence: missense variant.
Genome position (GRCh38, 1-based): chr2:189,034,159, G>A on the plus strand (C>T on the coding strand, the complement: COL5A2 is on the minus strand). VCF-style: chr2-189034159-G-A. GRCh37 (hg19) VCF-style: chr2-189898885-G-A.
Other names: short protein forms R1471C.
Identifiers: ClinVar variation 1036239 (VCV001036239.14), dbSNP rs1430667498, ClinGen allele CA349854583.